The following is an entry in ClinVar:

ClinVar aggregate classification (germline): Uncertain significance (1 of 4 stars; one submission).

Conditions:
Oligodontia-cancer predisposition syndrome. Also called: TOOTH AGENESIS-COLORECTAL CANCER SYNDROME. Identifiers: Orphanet 300576, MedGen C1837750, MONDO:0012075, OMIM 608615. Disease mechanism: loss of function.

Submission:

Labcorp Genetics (formerly Invitae), Labcorp
Classification: Uncertain significance for Oligodontia-cancer predisposition syndrome. Last evaluated: 2023-03-18. Review status: criteria provided, single submitter. Criteria: Invitae Variant Classification Sherloc (09022015). Collection method: clinical testing. Allele origin: germline.
Comment: This sequence change replaces aspartic acid, which is acidic and polar, with valine, which is neutral and non-polar, at codon 90 of the AXIN2 protein (p.Asp90Val). This variant is not present in population databases (gnomAD no frequency). This variant has not been reported in the literature in individuals affected with AXIN2-related conditions. Advanced modeling of protein sequence and biophysical properties (such as structural, functional, and spatial information, amino acid conservation, physicochemical variation, residue mobility, and thermodynamic stability) performed at Invitae indicates that this missense variant is expected to disrupt AXIN2 protein function. In summary, the available evidence is currently insufficient to determine the role of this variant in disease. Therefore, it has been classified as a Variant of Uncertain Significance.

NM_004655.4(AXIN2):c.269A>T (p.Asp90Val)

Gene: AXIN2 (axin 2; minus strand). Cytogenetic location: 17q24.1.
Variant type: single nucleotide variant.
Coding change: c.269A>T on transcript NM_004655.4 (MANE Select); coding-DNA position 269, A replaced by T.
Protein change: p.Asp90Val; replaces aspartic acid 90 with valine.
Molecular consequence: missense variant.
Genome position (GRCh38, 1-based): chr17:65,558,352, T>A on the plus strand (A>T on the coding strand, the complement: AXIN2 is on the minus strand). VCF-style: chr17-65558352-T-A. GRCh37 (hg19) VCF-style: chr17-63554470-T-A.
Other names: c.269A>T, p.Asp90Val (NM_001363813.1); short protein forms D90V.
Identifiers: ClinVar variation 2847025 (VCV002847025.3), dbSNP rs2144588871, ClinGen allele CA400681770.